The following is an entry in ClinVar:

NM_016464.5(TMEM138):c.377-224C>T

Gene: TMEM138 (transmembrane protein 138; plus strand). Cytogenetic location: 11q12.2.
Variant type: single nucleotide variant.
Coding change: c.377-224C>T on transcript NM_016464.5 (MANE Select); 224 bases into the intron before coding-DNA position 377, C replaced by T.
Molecular consequence: intron variant. On other transcripts: 3 prime UTR variant (1).
Genome position (GRCh38, 1-based): chr11:61,368,373, C>T. VCF-style: chr11-61368373-C-T. GRCh37 (hg19) VCF-style: chr11-61135845-C-T.
Other names: c.*217C>T (NM_001410999.1); c.376+375C>T (NM_001441181.1, NM_001410998.1, NM_001410997.1); c.300+2157C>T (NM_001441182.1); c.377-227C>T (NM_001441180.1); c.203-224C>T (NM_001330281.2).
Identifiers: ClinVar variation 4822515 (VCV004822515.4).
Genomic context (GRCh38, chr11:61,368,373, plus strand): 5'-CCTCCCGGGTTCACACCATTCTCCTGCCTCAGCCTCCGGAGTAGCTGGGACTACAGGCGC[C>T]CGCCACCACGCCCAGCTAATTTTTTGTGTATTTTTAGTAGAGACAGGGTTTCACCGTGTT-3'

ClinVar aggregate classification (germline): Likely benign (1 of 4 stars; one submission).

gnomAD v4.1: 4 of 514,614 alleles (0.00078%); highest among the groups gnomAD compares: Non-Finnish European, 0.0014%; no homozygotes.

Submission:

CeGaT Center for Human Genetics Tuebingen
Classification: Likely benign. Last evaluated: 2026-03-01. Review status: criteria provided, single submitter. Criteria: CeGaT Center For Human Genetics Tuebingen Variant Classification Criteria Version 2. Collection method: clinical testing. Allele origin: germline. Affected: yes. Observed: 1 variant allele.
Comment: TMEM138: BP4, BP7